The following is an entry in ClinVar:

ClinVar aggregate classification (germline): Uncertain significance. Review status: criteria provided, multiple submitters, no conflicts (2 of 4 stars). 8 submissions from 8 submitters: Uncertain significance (6). 2 of the submissions do not count toward it. Last evaluated 2026-01-24.

Conditions:
Proteasome-associated autoinflammatory syndrome 3. Identifiers: MedGen C4747850, MONDO:0054699, OMIM 617591.
PSMB4-related disorder. Also called: PSMB4-related condition.

Allele frequency attached by ClinVar (database versions not stated): gnomAD exomes 0.00209 and 0.00100; ExAC 0.00091; ESP Exome Variant Server 0.00100; gnomAD 0.00112; TOPMed 0.00159.

Submissions (8):

Labcorp Genetics (formerly Invitae), Labcorp
Classification: Uncertain significance. Last evaluated: 2026-01-24. Review status: criteria provided, single submitter. Criteria: Invitae Variant Classification Sherloc (09022015). Collection method: clinical testing. Allele origin: germline.
Comment: This variant occurs in a non-coding region of the PSMB4 gene. It does not change the encoded amino acid sequence of the PSMB4 protein. This variant is present in population databases (rs200946642, gnomAD 0.2%), and has an allele count higher than expected for a pathogenic variant. This variant has been observed in individual(s) with chronic atypical neutrophilic dermatosis with lipodystrophy and elevated temperature (CANDLE) syndrome (PMID: 26524591). ClinVar contains an entry for this variant (Variation ID: 548956). Algorithms developed to predict the effect of variants on gene product structure and function are not available or were not evaluated for this variant. Experimental studies have shown that this variant affects PSMB4 function (PMID: 26524591). In summary, the available evidence is currently insufficient to determine the role of this variant in disease. Therefore, it has been classified as a Variant of Uncertain Significance.

Blueprint Genetics
Classification: Uncertain significance. Last evaluated: 2024-11-26. Review status: criteria provided, single submitter. Criteria: ACMG Guidelines, 2015. Collection method: clinical testing. Allele origin: germline.

Mayo Clinic Laboratories, Mayo Clinic
Classification: Uncertain significance. Last evaluated: 2023-09-21. Review status: criteria provided, single submitter. Criteria: ACMG Guidelines, 2015. Collection method: clinical testing. Allele origin: germline. Observed: 1 variant allele.
Comment: BP4, BP7, PS3_moderate

CeGaT Center for Human Genetics Tuebingen
Classification: Uncertain significance. Last evaluated: 2023-03-01. Review status: criteria provided, single submitter. Criteria: CeGaT Center For Human Genetics Tuebingen Variant Classification Criteria Version 2. Collection method: clinical testing. Allele origin: germline. Affected: yes. Observed: 1 variant allele.

Department of Pathology and Laboratory Medicine, Sinai Health System
Classification: Uncertain significance for proteasome-associated autoinflammatory syndrome 3. Last evaluated: 2021-12-01. Review status: criteria provided, single submitter. Criteria: ACMG Guidelines, 2015. Collection method: research. Allele origin: germline.

Revvity Omics, Revvity
Classification: Uncertain significance for Proteasome-associated autoinflammatory syndrome 3. Last evaluated: 2021-08-13. Review status: criteria provided, single submitter. Criteria: ACMG Guidelines, 2015. Collection method: clinical testing. Allele origin: germline.

PreventionGenetics, part of Exact Sciences
Classification: Likely benign for PSMB4-related condition. Last evaluated: 2019-04-01. Review status: no assertion criteria provided. Collection method: clinical testing. Allele origin: germline. Not counted in ClinVar's aggregate classification.
Comment: This variant is classified as likely benign based on ACMG/AMP sequence variant interpretation guidelines (Richards et al. 2015 PMID: 25741868, with internal and published modifications).

OMIM
Classification: Pathogenic for PROTEASOME-ASSOCIATED AUTOINFLAMMATION SYNDROME 3 (1 patient). Last evaluated: 2018-07-23. Review status: no assertion criteria provided. Collection method: literature only. Allele origin: germline. Not counted in ClinVar's aggregate classification.

Literature cited by the submitters: PubMed 26524591 (cited by 3 submitters).

NM_002796.3(PSMB4):c.-9G>A

Gene: PSMB4 (proteasome 20S subunit beta 4; plus strand). Cytogenetic location: 1q21.3.
Variant type: single nucleotide variant.
Coding change: c.-9G>A on transcript NM_002796.3 (MANE Select); 9 bases upstream of the start codon, G replaced by A.
Molecular consequence: 5 prime UTR variant.
Genome position (GRCh38, 1-based): chr1:151,399,579, G>A. VCF-style: chr1-151399579-G-A. GRCh37 (hg19) VCF-style: chr1-151372055-G-A.
Other names: -96G-A (rs200946642).
Identifiers: ClinVar variation 548956 (VCV000548956.43), dbSNP rs200946642, ClinGen allele CA1090543.